The following is an entry in ClinVar:

NM_176806.4(MOCS2):c.183A>G (p.Gln61=)

Gene: MOCS2 (molybdenum cofactor synthesis 2; minus strand). Cytogenetic location: 5q11.2.
Variant type: single nucleotide variant.
Coding change: c.183A>G on transcript NM_176806.4 (MANE Plus Clinical); coding-DNA position 183, A replaced by G.
Protein change: p.Gln61=; no amino-acid change (glutamine 61 retained).
Molecular consequence: synonymous variant. On other transcripts: 5 prime UTR variant (1).
Genome position (GRCh38, 1-based): chr5:53,107,179, T>C on the plus strand (A>G on the coding strand, the complement: MOCS2 is on the minus strand). VCF-style: chr5-53107179-T-C. GRCh37 (hg19) VCF-style: chr5-52403009-T-C.
Other names: c.-5A>G (NM_004531.5).
Identifiers: ClinVar variation 1412406 (VCV001412406.3), dbSNP rs2112090960, ClinGen allele CA2522114586.
Genomic context (GRCh38, chr5:53,107,179, plus strand): 5'-AACGGCAATTTCGTCTCCAGGCTGAAGCACGAGGAGCTGATCTCCAAGCTCGACATATTC[T>C]TGACGAACAGCAAATATTATCTGATTTCTAACATCAGCCAATCTAAAGGGGAAAAAATAT-3'
Protein context (NP_789776.1, residues 51-71): VRNQIIFAVR[Gln61=]EYVELGDQLL

ClinVar aggregate classification (germline): Uncertain significance (1 of 4 stars; one submission).

Allele frequency attached by ClinVar (database versions not stated): gnomAD exomes below 0.00001.
gnomAD v4.1: 1 of 1,614,136 alleles (0.000062%); highest among the groups gnomAD compares: South Asian, 0.0011%; no homozygotes.

Submission:

Labcorp Genetics (formerly Invitae), Labcorp
Classification: Uncertain significance. Last evaluated: 2021-10-08. Review status: criteria provided, single submitter. Criteria: Invitae Variant Classification Sherloc (09022015). Collection method: clinical testing. Allele origin: germline.
Comment: This sequence change affects codon 61 of the MOCS2A mRNA. It is a 'silent' change, meaning that it does not change the encoded amino acid sequence of the MOCS2A protein. This variant is not present in population databases (ExAC no frequency). This variant has not been reported in the literature in individuals affected with MOCS2A-related conditions. Algorithms developed to predict the effect of sequence changes on RNA splicing suggest that this variant may create or strengthen a splice site. In summary, the available evidence is currently insufficient to determine the role of this variant in disease. Therefore, it has been classified as a Variant of Uncertain Significance.